The following is an entry in ClinVar:

ClinVar aggregate classification (germline): Uncertain significance (1 of 4 stars; one submission).

Conditions:
Pigmentary pallidal degeneration (NBIA1). Also called: PKAN NEUROAXONAL DYSTROPHY, JUVENILE-ONSET; HARP SYNDROME; Neuroaxonal dystrophy, late infantile; Hallervorden-Spatz disease; Pantothenate Kinase-Associated Neurodegeneration; Neurodegeneration with brain iron accumulation 1. Identifiers: Orphanet 157850, MedGen C0018523, MONDO:0009319, OMIM 234200.

Allele frequency attached by ClinVar (database versions not stated): TOPMed below 0.00001; gnomAD exomes 0.00001.
gnomAD v4.1: 9 of 1,614,010 alleles (0.00056%); highest among the groups gnomAD compares: African/African-American, 0.0013%; no homozygotes.

Submission:

Labcorp Genetics (formerly Invitae), Labcorp
Classification: Uncertain significance for Pigmentary pallidal degeneration. Last evaluated: 2021-09-01. Review status: criteria provided, single submitter. Criteria: Invitae Variant Classification Sherloc (09022015). Collection method: clinical testing. Allele origin: germline.
Comment: This sequence change replaces tryptophan with cysteine at codon 466 of the PANK2 protein (p.Trp466Cys). The tryptophan residue is moderately conserved and there is a large physicochemical difference between tryptophan and cysteine. This variant is not present in population databases (ExAC no frequency). This variant has not been reported in the literature in individuals affected with PANK2-related conditions. Algorithms developed to predict the effect of missense changes on protein structure and function are either unavailable or do not agree on the potential impact of this missense change (SIFT: "Tolerated"; PolyPhen-2: "Probably Damaging"; Align-GVGD: "Class C0"). In summary, the available evidence is currently insufficient to determine the role of this variant in disease. Therefore, it has been classified as a Variant of Uncertain Significance.

NM_001386393.1(PANK2):c.1068G>T (p.Trp356Cys)

Gene: PANK2 (pantothenate kinase 2; plus strand). Cytogenetic location: 20p13.
Variant type: single nucleotide variant.
Coding change: c.1068G>T on transcript NM_001386393.1 (MANE Select); coding-DNA position 1068, G replaced by T.
Protein change: p.Trp356Cys; replaces tryptophan 356 with cysteine.
Molecular consequence: missense variant. On other transcripts: non-coding transcript variant (1).
Genome position (GRCh38, 1-based): chr20:3,912,620, G>T. VCF-style: chr20-3912620-G-T. GRCh37 (hg19) VCF-style: chr20-3893267-G-T.
Other names: c.525G>T, p.Trp175Cys (NM_001324191.2, NM_024960.6, NM_153640.4); c.90G>T, p.Trp30Cys (NM_001324193.2); c.1398G>T, p.Trp466Cys (NM_153638.4); short protein forms W356C, W466C, W30C, W175C.
Identifiers: ClinVar variation 1358893 (VCV001358893.5), dbSNP rs767222898, ClinGen allele CA311035741.